The following is an entry in ClinVar:

ClinVar aggregate classification (germline): Uncertain significance. Review status: criteria provided, multiple submitters, no conflicts (2 of 4 stars). 2 submissions from 2 submitters: Uncertain significance (2). Last evaluated 2023-08-29.

Conditions:
Gastrointestinal stromal tumor. Also called: Gastrointestinal stroma tumor; Gastrointestinal stromal tumor, somatic. Identifiers: Orphanet 44890, MedGen C0238198, MeSH D046152, MONDO:0011719, OMIM 606764, HP:0100723.
Piebaldism. Also called: Piebald skin depigmentation. Identifiers: Orphanet 2884, MedGen C0080024, MONDO:0008244, OMIM 172800, HP:0007544.

Allele frequency attached by ClinVar (database versions not stated): TOPMed 0.00001.

Submissions (2):

Clinical Genomics Laboratory, Washington University in St. Louis
Classification: Uncertain significance for Piebaldism. Last evaluated: 2023-08-29. Review status: criteria provided, single submitter. Criteria: ACMG Guidelines, 2015. Collection method: clinical testing. Allele origin: germline.
Comment: The KIT c.2141+3A>G variant, to our knowledge, has not been reported in the medical literature but has been reported in the ClinVar database as a germline variant of uncertain significance by one submitter. This variant is absent from the general population (gnomAD v.2.1.1), indicating it is not a common variant. Computational predictors suggest that the variant does not alter mRNA splicing; however, the nucleotide at this position is conserved (PhyloP, Phastcons). Due to limited information, and based on ACMG/AMP guidelines for variant interpretation (Richards S et al., PMID: 25741868), the clinical significance of this variant is uncertain at this time.

Labcorp Genetics (formerly Invitae), Labcorp
Classification: Uncertain significance for Gastrointestinal stromal tumor. Last evaluated: 2022-06-26. Review status: criteria provided, single submitter. Criteria: Invitae Variant Classification Sherloc (09022015). Collection method: clinical testing. Allele origin: germline.
Comment: In summary, the available evidence is currently insufficient to determine the role of this variant in disease. Therefore, it has been classified as a Variant of Uncertain Significance. Variants that disrupt the consensus splice site are a relatively common cause of aberrant splicing (PMID: 17576681, 9536098). Algorithms developed to predict the effect of sequence changes on RNA splicing suggest that this variant is not likely to affect RNA splicing. This variant has not been reported in the literature in individuals affected with KIT-related conditions. This variant is not present in population databases (gnomAD no frequency). This sequence change falls in intron 14 of the KIT gene. It does not directly change the encoded amino acid sequence of the KIT protein. It affects a nucleotide within the consensus splice site.

Literature cited by the submitters: PubMed 17576681 (cited by Labcorp Genetics (formerly Invitae), Labcorp); PubMed 9536098 (cited by Labcorp Genetics (formerly Invitae), Labcorp).

NM_000222.3(KIT):c.2141+3A>G

Gene: KIT (KIT proto-oncogene, receptor tyrosine kinase; plus strand). Cytogenetic location: 4q12.
Variant type: single nucleotide variant.
Coding change: c.2141+3A>G on transcript NM_000222.3 (MANE Select); 3 bases into the intron after coding-DNA position 2141, A replaced by G.
Molecular consequence: intron variant.
Genome position (GRCh38, 1-based): chr4:54,729,488, A>G. VCF-style: chr4-54729488-A-G. GRCh37 (hg19) VCF-style: chr4-55595654-A-G.
Other names: c.2144+3A>G (NM_001385284.1, NM_001385290.1); c.2132+3A>G (NM_001385288.1, NM_001385292.1); c.2141+3A>G (NM_001385285.1); c.2129+3A>G (NM_001093772.2, NM_001385286.1).
Identifiers: ClinVar variation 1403395 (VCV001403395.7), dbSNP rs1722453185, ClinGen allele CA1458741070.
Genomic context (GRCh38, chr4:54,729,488, plus strand): 5'-AAGATCATGCAGAAGCTGCACTTTATAAGAATCTTCTGCATTCAAAGGAGTCTTCCTGGT[A>G]AGACTGATTTACATAAATAGTTAGCTGTTGACAGGCAGTTCATGGGGTCATAAGGGTTTG-3'